The following is an entry in ClinVar:

ClinVar aggregate classification (germline): Likely benign. Review status: criteria provided, multiple submitters, no conflicts (2 of 4 stars). 2 submissions from 2 submitters: Likely benign (2). Last evaluated 2025-02-24.

Conditions:
Developmental and epileptic encephalopathy, 33 (DEE33). Also called: Epileptic encephalopathy, early infantile, 33. Identifiers: Orphanet 442835, MedGen C4225337, MONDO:0014625, OMIM 616409.

Allele frequency attached by ClinVar (database versions not stated): gnomAD 0.00001 and 0.00003; gnomAD exomes 0.00002; TOPMed 0.00002; ExAC 0.00007.
gnomAD v4.1: 14 of 1,465,818 alleles (0.00096%); highest among the groups gnomAD compares: East Asian, 0.003%; no homozygotes.

Submissions (2):

Labcorp Genetics (formerly Invitae), Labcorp
Classification: Likely benign for Developmental and epileptic encephalopathy, 33. Last evaluated: 2025-02-24. Review status: criteria provided, single submitter. Criteria: Invitae Variant Classification Sherloc (09022015). Collection method: clinical testing. Allele origin: germline.

CeGaT Center for Human Genetics Tuebingen
Classification: Likely benign. Last evaluated: 2024-01-01. Review status: criteria provided, single submitter. Criteria: CeGaT Center For Human Genetics Tuebingen Variant Classification Criteria Version 2. Collection method: clinical testing. Allele origin: germline. Affected: yes. Observed: 1 variant allele.
Comment: EEF1A2: BP4, BP7

NM_001958.5(EEF1A2):c.1281C>T (p.Arg427=)

Gene: EEF1A2 (eukaryotic translation elongation factor 1 alpha 2; minus strand). Cytogenetic location: 20q13.33.
Variant type: single nucleotide variant.
Coding change: c.1281C>T on transcript NM_001958.5 (MANE Select); coding-DNA position 1281, C replaced by T.
Protein change: p.Arg427=; no amino-acid change (arginine 427 retained).
Molecular consequence: synonymous variant.
Genome position (GRCh38, 1-based): chr20:63,488,409, G>A on the plus strand (C>T on the coding strand, the complement: EEF1A2 is on the minus strand). VCF-style: chr20-63488409-G-A. GRCh37 (hg19) VCF-style: chr20-62119762-G-A.
Identifiers: ClinVar variation 743812 (VCV000743812.31), dbSNP rs776988182, ClinGen allele CA9958920.